The following is an entry in ClinVar:

NM_017849.4(TMEM127):c.211G>T (p.Val71Leu)

Gene: TMEM127 (transmembrane protein 127; minus strand). Cytogenetic location: 2q11.2.
Variant type: single nucleotide variant.
Coding change: c.211G>T on transcript NM_017849.4 (MANE Select); coding-DNA position 211, G replaced by T.
Protein change: p.Val71Leu; replaces valine 71 with leucine.
Molecular consequence: missense variant.
Genome position (GRCh38, 1-based): chr2:96,265,171, C>A on the plus strand (G>T on the coding strand, the complement: TMEM127 is on the minus strand). VCF-style: chr2-96265171-C-A. GRCh37 (hg19) VCF-style: chr2-96930909-C-A.
Other names: c.211G>T, p.Val71Leu (NM_001193304.3); short protein forms V71L.
Identifiers: ClinVar variation 1786230 (VCV001786230.5), dbSNP rs142947571, ClinGen allele CA347655889.
Genomic context (GRCh38, chr2:96,265,171, plus strand): 5'-TTAAGGGCCAGCGCGCAGCACCCTCACCTTTCAGCAGGTCCGGGTGCACATAGCCCAACA[C>A]GTCGGAGACCCCCAGCTCCTGGCGCGAACAGGTGCCTCCGTGGATGTGCAACCAGGCGGG-3'
Protein context (NP_060319.1, residues 61-81): CSRQELGVSD[Val71Leu]LGYVHPDLLK

ClinVar aggregate classification (germline): Uncertain significance. Review status: criteria provided, multiple submitters, no conflicts (2 of 4 stars). 2 submissions from 2 submitters: Uncertain significance (2). Last evaluated 2025-01-07.

Conditions:
Hereditary pheochromocytoma and paraganglioma. Also called: Hereditary paragangliomas and pheochromocytomas; Hereditary Paraganglioma-Pheochromocytoma Syndromes; Hereditary pheochromocytoma-paraganglioma. Identifiers: Orphanet 29072, MedGen C4274332, MONDO:0017366.
Hereditary cancer-predisposing syndrome. Also called: Tumor predisposition; Hereditary Cancer Syndrome; Hereditary neoplastic syndrome; Neoplastic Syndromes, Hereditary. Identifiers: Orphanet 140162, MedGen C0027672, MeSH D009386, MONDO:0015356.

gnomAD v4.1: 1 of 1,611,252 alleles (0.000062%); highest among the groups gnomAD compares: Non-Finnish European, 0.000085%; no homozygotes.

Submissions (2):

Labcorp Genetics (formerly Invitae), Labcorp
Classification: Uncertain significance for Hereditary pheochromocytoma and paraganglioma. Last evaluated: 2025-01-07. Review status: criteria provided, single submitter. Criteria: Invitae Variant Classification Sherloc (09022015). Collection method: clinical testing. Allele origin: germline.
Comment: This sequence change replaces valine, which is neutral and non-polar, with leucine, which is neutral and non-polar, at codon 71 of the TMEM127 protein (p.Val71Leu). This variant is not present in population databases (gnomAD no frequency). This variant has not been reported in the literature in individuals affected with TMEM127-related conditions. ClinVar contains an entry for this variant (Variation ID: 1786230). An algorithm developed to predict the effect of missense changes on protein structure and function (PolyPhen-2) suggests that this variant is likely to be tolerated. In summary, the available evidence is currently insufficient to determine the role of this variant in disease. Therefore, it has been classified as a Variant of Uncertain Significance.

Ambry Genetics
Classification: Uncertain significance for Hereditary cancer-predisposing syndrome. Last evaluated: 2024-05-10. Review status: criteria provided, single submitter. Criteria: Ambry Variant Classification Scheme 2023. Collection method: clinical testing. Allele origin: germline.
Comment: The p.V71L variant (also known as c.211G>T), located in coding exon 1 of the TMEM127 gene, results from a G to T substitution at nucleotide position 211. The valine at codon 71 is replaced by leucine, an amino acid with highly similar properties. This amino acid position is highly conserved in available vertebrate species. In addition, the in silico prediction for this alteration is inconclusive. Since supporting evidence is limited at this time, the clinical significance of this alteration remains unclear.